The following is an entry in ClinVar:

NM_000553.6(WRN):c.1889A>T (p.Asp630Val)

Gene: WRN (WRN RecQ like helicase; plus strand). Cytogenetic location: 8p12.
Variant type: single nucleotide variant.
Coding change: c.1889A>T on transcript NM_000553.6 (MANE Select); coding-DNA position 1889, A replaced by T.
Protein change: p.Asp630Val; replaces aspartic acid 630 with valine.
Molecular consequence: missense variant.
Genome position (GRCh38, 1-based): chr8:31,091,889, A>T. VCF-style: chr8-31091889-A-T. GRCh37 (hg19) VCF-style: chr8-30949405-A-T.
Other names: short protein forms D630V.
Identifiers: ClinVar variation 1017824 (VCV001017824.1), dbSNP rs779430282, ClinGen allele CA370928526.

ClinVar aggregate classification (germline): Uncertain significance (1 of 4 stars; one submission).

Conditions:
Werner syndrome (WRN). Identifiers: Orphanet 902, MedGen C0043119, MONDO:0010196, OMIM 277700.

Submission:

Labcorp Genetics (formerly Invitae), Labcorp
Classification: Uncertain significance for Werner syndrome. Last evaluated: 2020-10-08. Review status: criteria provided, single submitter. Criteria: Invitae Variant Classification Sherloc (09022015). Collection method: clinical testing. Allele origin: germline.
Comment: This sequence change replaces aspartic acid with valine at codon 630 of the WRN protein (p.Asp630Val). The aspartic acid residue is moderately conserved and there is a large physicochemical difference between aspartic acid and valine. This variant is not present in population databases (ExAC no frequency). This variant has not been reported in the literature in individuals with WRN-related conditions. Algorithms developed to predict the effect of missense changes on protein structure and function are either unavailable or do not agree on the potential impact of this missense change (SIFT: Not Available; PolyPhen-2: Probably Damaging; Align-GVGD: Not Available). In summary, the available evidence is currently insufficient to determine the role of this variant in disease. Therefore, it has been classified as a Variant of Uncertain Significance.